The following is an entry in ClinVar:

ClinVar aggregate classification (germline): Uncertain significance (1 of 4 stars; one submission).

Submission:

CeGaT Center for Human Genetics Tuebingen
Classification: Uncertain significance. Last evaluated: 2026-04-01. Review status: criteria provided, single submitter. Criteria: CeGaT Center For Human Genetics Tuebingen Variant Classification Criteria Version 2. Collection method: clinical testing. Allele origin: germline. Affected: yes. Observed: 1 variant allele.
Comment: COL4A4: PM2, PP3

NM_000092.5(COL4A4):c.3276C>G (p.Ser1092Arg)

Gene: COL4A4 (collagen type IV alpha 4 chain; minus strand). Cytogenetic location: 2q36.3.
Variant type: single nucleotide variant.
Coding change: c.3276C>G on transcript NM_000092.5 (MANE Select); coding-DNA position 3276, C replaced by G.
Protein change: p.Ser1092Arg; replaces serine 1092 with arginine.
Molecular consequence: missense variant.
Genome position (GRCh38, 1-based): chr2:227,047,488, G>C on the plus strand (C>G on the coding strand, the complement: COL4A4 is on the minus strand). VCF-style: chr2-227047488-G-C. GRCh37 (hg19) VCF-style: chr2-227912204-G-C.
Other names: short protein forms S1092R.
Identifiers: ClinVar variation 4873665 (VCV004873665.2).